The following is an entry in ClinVar:

ClinVar aggregate classification (germline): Uncertain significance (1 of 4 stars; one submission).

Conditions:
SH2B1-related disorder. Also called: SH2B1-related condition.

Allele frequency attached by ClinVar (database versions not stated): TOPMed below 0.00001; gnomAD 0.00001.

Submission:

PreventionGenetics, part of Exact Sciences
Classification: Uncertain significance for SH2B1-related condition. Last evaluated: 2025-12-05. Review status: criteria provided, single submitter. Criteria: ACMG Guidelines, 2015. Collection method: clinical testing. Allele origin: germline.
Comment: The SH2B1 c.679C>T variant is predicted to result in the amino acid substitution p.Arg227Cys. This variant was reported in individuals with obesity and/or aggression, however the pathogenicity was not established (Jiang et al. 2018. PubMed ID: 29180441; Flores et al. 2019. PubMed ID: 31439647; Anlas et al. 2025. PubMed ID: 40475165). This variant is reported in 0.011% of alleles in individuals of European (non-Finnish) descent in gnomAD. At this time, the clinical significance of this variant is uncertain due to the absence of conclusive functional and genetic evidence.

NM_001387430.1(SH2B1):c.679C>T (p.Arg227Cys)

Gene: SH2B1 (SH2B adaptor protein 1; plus strand). Cytogenetic location: 16p11.2.
Variant type: single nucleotide variant.
Coding change: c.679C>T on transcript NM_001387430.1 (MANE Select); coding-DNA position 679, C replaced by T.
Protein change: p.Arg227Cys; replaces arginine 227 with cysteine.
Molecular consequence: missense variant. On other transcripts: intron variant (1).
Genome position (GRCh38, 1-based): chr16:28,866,773, C>T. VCF-style: chr16-28866773-C-T. GRCh37 (hg19) VCF-style: chr16-28878094-C-T.
Other names: c.679C>T, p.Arg227Cys (NM_001145795.2, NM_001145796.2, NM_001145797.2 and 4 more transcripts); c.-26-601C>T (NM_001308294.2); short protein forms R227C.
Identifiers: ClinVar variation 3036947 (VCV003036947.3), dbSNP rs773476319, ClinGen allele CA7985981.